The following is an entry in ClinVar:

NM_001905.4(CTPS1):c.305G>A (p.Arg102Gln)

Gene: CTPS1 (CTP synthase 1; plus strand). Cytogenetic location: 1p34.2.
Variant type: single nucleotide variant.
Coding change: c.305G>A on transcript NM_001905.4 (MANE Select); coding-DNA position 305, G replaced by A.
Protein change: p.Arg102Gln; replaces arginine 102 with glutamine.
Molecular consequence: missense variant. On other transcripts: non-coding transcript variant (1).
Genome position (GRCh38, 1-based): chr1:40,984,959, G>A. VCF-style: chr1-40984959-G-A. GRCh37 (hg19) VCF-style: chr1-41450631-G-A.
Other names: short protein forms R102Q.
Identifiers: ClinVar variation 1933794 (VCV001933794.5), dbSNP rs765840007, ClinGen allele CA795199.

ClinVar aggregate classification (germline): Uncertain significance (1 of 4 stars; one submission).

Conditions:
Combined immunodeficiency due to CTPS1 deficiency. Also called: Severe combined immunodeficiency due to CTPS1 deficiency; Immunodeficiency 24. Identifiers: Orphanet 420573, MedGen C4014617, MONDO:0014391, OMIM 615897.

Allele frequency attached by ClinVar (database versions not stated): ExAC 0.00002.
gnomAD v4.1: 2 of 1,587,064 alleles (0.00013%); highest among the groups gnomAD compares: South Asian, 0.0011%; no homozygotes.

Submission:

Labcorp Genetics (formerly Invitae), Labcorp
Classification: Uncertain significance for Combined immunodeficiency due to CTPS1 deficiency. Last evaluated: 2024-08-21. Review status: criteria provided, single submitter. Criteria: Invitae Variant Classification Sherloc (09022015). Collection method: clinical testing. Allele origin: germline.
Comment: This sequence change replaces arginine, which is basic and polar, with glutamine, which is neutral and polar, at codon 102 of the CTPS1 protein (p.Arg102Gln). This variant is present in population databases (rs765840007, gnomAD 0.004%). This variant has not been reported in the literature in individuals affected with CTPS1-related conditions. ClinVar contains an entry for this variant (Variation ID: 1933794). An algorithm developed to predict the effect of missense changes on protein structure and function (PolyPhen-2) suggests that this variant is likely to be disruptive. In summary, the available evidence is currently insufficient to determine the role of this variant in disease. Therefore, it has been classified as a Variant of Uncertain Significance.